The following is an entry in ClinVar:

NM_000552.5(VWF):c.3231dup (p.Glu1078fs)

Gene: VWF (von Willebrand factor; minus strand). Cytogenetic location: 12p13.31.
Variant type: Duplication.
Coding change: c.3231dup on transcript NM_000552.5 (MANE Select); coding-DNA position 3231, one base duplicated (C; older notation c.3231dupC).
Protein change: p.Glu1078fs; shifts the reading frame from glutamic acid 1078.
Molecular consequence: frameshift variant.
Genome position (GRCh38, 1-based): chr12:6,023,779, G duplicated on the plus strand (C on the coding strand, the reverse complement: VWF is on the minus strand); the first of 4 consecutive G bases (chr12:6,023,779-6,023,782); duplicating any one gives the same sequence. VCF-style (leftmost placement, unchanged base first): chr12-6023778-C-CG. GRCh37 (hg19) VCF-style: chr12-6132944-C-CG.
Other names: short protein forms E1078fs.
Identifiers: ClinVar variation 2306814 (VCV002306814.2), dbSNP rs2497529042, ClinGen allele CA2580086230.

ClinVar aggregate classification (germline): Pathogenic (1 of 4 stars; one submission).

Conditions:
Inborn genetic diseases. Identifiers: MedGen C0950123, MeSH D030342.

Submission:

Ambry Genetics
Classification: Pathogenic for Inborn genetic diseases. Last evaluated: 2022-09-07. Review status: criteria provided, single submitter. Criteria: Ambry Variant Classification Scheme 2023. Collection method: clinical testing. Allele origin: germline.
Comment: The c.3231dupC (p.E1078Rfs*15) alteration, located in exon 25 (coding exon 24) of the VWF gene, consists of a duplication of C at position 3231, causing a translational frameshift with a predicted alternate stop codon after 15 amino acids. This alteration is expected to result in loss of function by premature protein truncation or nonsense-mediated mRNA decay. This variant was not reported in population-based cohorts in the Genome Aggregation Database (gnomAD). Based on the available evidence, this alteration is classified as pathogenic.